The following is an entry in ClinVar:

ClinVar aggregate classification (germline): Uncertain significance (1 of 4 stars; one submission).

Submission:

Labcorp Genetics (formerly Invitae), Labcorp
Classification: Uncertain significance. Last evaluated: 2021-07-13. Review status: criteria provided, single submitter. Criteria: Invitae Variant Classification Sherloc (09022015). Collection method: clinical testing. Allele origin: germline.
Comment: This sequence change replaces isoleucine with methionine at codon 1634 of the COL4A6 protein (p.Ile1634Met). The isoleucine residue is moderately conserved and there is a small physicochemical difference between isoleucine and methionine. This variant is not present in population databases (ExAC no frequency). This variant has not been reported in the literature in individuals with COL4A6-related conditions. Algorithms developed to predict the effect of missense changes on protein structure and function are either unavailable or do not agree on the potential impact of this missense change (SIFT: "Deleterious"; PolyPhen-2: "Benign"; Align-GVGD: "Class C0"). In summary, the available evidence is currently insufficient to determine the role of this variant in disease. Therefore, it has been classified as a Variant of Uncertain Significance.

NM_033641.4(COL4A6):c.4899C>G (p.Ile1633Met)

Gene: COL4A6 (collagen type IV alpha 6 chain; minus strand). Cytogenetic location: Xq22.3.
Variant type: single nucleotide variant.
Coding change: c.4899C>G on transcript NM_033641.4 (MANE Select); coding-DNA position 4899, C replaced by G.
Protein change: p.Ile1633Met; replaces isoleucine 1633 with methionine.
Molecular consequence: missense variant.
Genome position (GRCh38, 1-based): chrX:108,157,174, G>C on the plus strand (C>G on the coding strand, the complement: COL4A6 is on the minus strand). VCF-style: chrX-108157174-G-C. GRCh37 (hg19) VCF-style: chrX-107400404-G-C.
Other names: c.4950C>G, p.Ile1650Met (NM_001287758.2); c.4827C>G, p.Ile1609Met (NM_001287759.2); c.4728C>G, p.Ile1576Met (NM_001287760.2); c.4902C>G, p.Ile1634Met (NM_001847.4); short protein forms I1633M, I1609M, I1650M, I1576M, I1634M.
Identifiers: ClinVar variation 1501622 (VCV001501622.8), dbSNP rs1384376976, ClinGen allele CA413848438.